The following is an entry in ClinVar:

ClinVar aggregate classification (germline): Uncertain significance. Review status: criteria provided, multiple submitters, no conflicts (2 of 4 stars). 4 submissions from 4 submitters: Uncertain significance (4). Last evaluated 2025-10-21.

Conditions:
RP1-related disorder. Also called: RP1-related condition.

Allele frequency attached by ClinVar (database versions not stated): gnomAD exomes 0.00001 and 0.00002; ExAC 0.00003; gnomAD 0.00005 and 0.00006; TOPMed 0.00011; ESP Exome Variant Server 0.00015.
gnomAD v4.1: 16 of 1,613,810 alleles (0.00099%); highest among the groups gnomAD compares: African/African-American, 0.017%; no homozygotes.

Submissions (4):

PreventionGenetics, part of Exact Sciences
Classification: Uncertain significance for RP1-related condition. Last evaluated: 2025-10-21. Review status: criteria provided, single submitter. Criteria: ACMG Guidelines, 2015. Collection method: clinical testing. Allele origin: germline.
Comment: The RP1 c.4663G>A variant is predicted to result in the amino acid substitution p.Gly1555Arg. To our knowledge, this variant has not been reported in the literature. This variant is present in 0.012% of alleles in individuals of African descent in gnomAD. At this time, the clinical significance of this variant is uncertain due to the absence of conclusive functional and genetic evidence.

Labcorp Genetics (formerly Invitae), Labcorp
Classification: Uncertain significance. Last evaluated: 2025-01-27. Review status: criteria provided, single submitter. Criteria: Invitae Variant Classification Sherloc (09022015). Collection method: clinical testing. Allele origin: germline.
Comment: This sequence change replaces glycine, which is neutral and non-polar, with arginine, which is basic and polar, at codon 1555 of the RP1 protein (p.Gly1555Arg). This variant is present in population databases (rs370101107, gnomAD 0.01%). This variant has not been reported in the literature in individuals affected with RP1-related conditions. ClinVar contains an entry for this variant (Variation ID: 432786). An algorithm developed to predict the effect of missense changes on protein structure and function outputs the following: PolyPhen-2: "Benign". The arginine amino acid residue is found in multiple mammalian species, which suggests that this missense change does not adversely affect protein function. In summary, the available evidence is currently insufficient to determine the role of this variant in disease. Therefore, it has been classified as a Variant of Uncertain Significance.

Blueprint Genetics
Classification: Uncertain significance. Last evaluated: 2022-09-08. Review status: criteria provided, single submitter. Criteria: ACMG Guidelines, 2015. Collection method: clinical testing. Allele origin: germline.

GeneDx
Classification: Uncertain significance. Last evaluated: 2017-06-20. Review status: criteria provided, single submitter. Criteria: GeneDx Variant Classification (06012015). Collection method: clinical testing. Allele origin: germline. Affected: yes.
Comment: The G1555R variant in the RP1 gene has not been reported previously as a pathogenic variant, nor as a benign variant, to our knowledge. The G1555R variant is observed in 4/10098 (0.04%) alleles from individuals of African background, with no homozygous individuals reported, in the ExAC dataset (Lek et al., 2016). The G1555R variant is a non-conservative amino acid substitution, which is likely to impact secondary protein structure as these residues differ in polarity, charge, size and/or other properties. However, this substitution occurs at a position that is not conserved, and in silico analysis is inconsistent in its predictions as to whether or not the variant is damaging to the protein structure/function. We interpret G1555R as a variant of uncertain significance.

NM_006269.2(RP1):c.4663G>A (p.Gly1555Arg)

Gene: RP1 (RP1 axonemal microtubule associated; plus strand). Cytogenetic location: 8q12.1.
Variant type: single nucleotide variant.
Coding change: c.4663G>A on transcript NM_006269.2 (MANE Select); coding-DNA position 4663, G replaced by A.
Protein change: p.Gly1555Arg; replaces glycine 1555 with arginine.
Molecular consequence: missense variant.
Genome position (GRCh38, 1-based): chr8:54,628,545, G>A. VCF-style: chr8-54628545-G-A. GRCh37 (hg19) VCF-style: chr8-55541105-G-A.
Other names: short protein forms G1555R.
Identifiers: ClinVar variation 432786 (VCV000432786.11), dbSNP rs370101107, ClinGen allele CA4751922.